The following is an entry in ClinVar:

NM_005450.6(NOG):c.484A>C (p.Asn162His)

Gene: NOG (noggin; plus strand). Cytogenetic location: 17q22.
Variant type: single nucleotide variant.
Coding change: c.484A>C on transcript NM_005450.6 (MANE Select); coding-DNA position 484, A replaced by C.
Protein change: p.Asn162His; replaces asparagine 162 with histidine.
Molecular consequence: missense variant.
Genome position (GRCh38, 1-based): chr17:56,594,707, A>C. VCF-style: chr17-56594707-A-C. GRCh37 (hg19) VCF-style: chr17-54672068-A-C.
Other names: c.484A>C (NM_005450.4); short protein forms N162H.
Identifiers: ClinVar variation 4799256 (VCV004799256.2).

ClinVar aggregate classification (germline): Uncertain significance. Review status: criteria provided, multiple submitters, no conflicts (2 of 4 stars). 2 submissions from 2 submitters: Uncertain significance (2). Last evaluated 2026-07-13.

Conditions:
Inborn genetic diseases. Identifiers: MedGen C0950123, MeSH D030342.

Submissions (2):

Ambry Genetics
Classification: Uncertain significance for Inborn genetic diseases. Last evaluated: 2026-07-13. Review status: criteria provided, single submitter. Criteria: Ambry Variant Classification Scheme 2023. Collection method: clinical testing. Allele origin: germline.

Labcorp Genetics (formerly Invitae), Labcorp
Classification: Uncertain significance. Last evaluated: 2025-05-16. Review status: criteria provided, single submitter. Criteria: Invitae Variant Classification Sherloc (09022015). Collection method: clinical testing. Allele origin: germline.
Comment: This sequence change replaces asparagine, which is neutral and polar, with histidine, which is basic and polar, at codon 162 of the NOG protein (p.Asn162His). This variant is not present in population databases (gnomAD no frequency). This variant has not been reported in the literature in individuals affected with NOG-related conditions. An algorithm developed to predict the effect of missense changes on protein structure and function (PolyPhen-2) suggests that this variant is likely to be disruptive. In summary, the available evidence is currently insufficient to determine the role of this variant in disease. Therefore, it has been classified as a Variant of Uncertain Significance.